The following is an entry in ClinVar:

ClinVar aggregate classification (germline): Conflicting classifications of pathogenicity. Review status: criteria provided, conflicting classifications (1 of 4 stars). 9 submissions from 9 submitters: Uncertain significance (7); Likely benign (1). 1 of the submissions does not count toward it. Last evaluated 2026-01-21.

Conditions:
Ataxia-telangiectasia syndrome (AT). Also called: LOUIS-BAR SYNDROME; ATAXIA-TELANGIECTASIA, COMPLEMENTATION GROUP A; ATAXIA-TELANGIECTASIA, FRESNO VARIANT; Ataxia-telangiectasia; Ataxia-telangiectasia, complementation group D; Ataxia telangiectasia (A-T). Identifiers: Orphanet 100, MedGen C0004135, MONDO:0008840, OMIM 208900.
Familial cancer of breast. Also called: Hereditary breast cancer; hereditary breast carcinoma; BREAST CANCER, FAMILIAL. Identifiers: Orphanet 227535, MedGen C0346153, MONDO:0016419, OMIM 114480. Disease mechanism: loss of function.
Hereditary cancer-predisposing syndrome. Also called: Hereditary Cancer Syndrome; Tumor predisposition; Hereditary neoplastic syndrome; Neoplastic Syndromes, Hereditary. Identifiers: Orphanet 140162, MedGen C0027672, MeSH D009386, MONDO:0015356.

Allele frequency attached by ClinVar (database versions not stated): ExAC 0.00001; gnomAD 0.00001 and 0.00002; gnomAD exomes 0.00001; TOPMed 0.00002.
gnomAD v4.1: 24 of 1,613,990 alleles (0.0015%); highest among the groups gnomAD compares: Non-Finnish European, 0.0016%; no homozygotes.

Submissions (9):

Labcorp Genetics (formerly Invitae), Labcorp
Classification: Uncertain significance for Ataxia-telangiectasia syndrome. Last evaluated: 2026-01-21. Review status: criteria provided, single submitter. Criteria: Invitae Variant Classification Sherloc (09022015). Collection method: clinical testing. Allele origin: germline.
Comment: This sequence change replaces aspartic acid, which is acidic and polar, with glycine, which is neutral and non-polar, at codon 851 of the ATM protein (p.Asp851Gly). This variant is present in population databases (rs748203812, gnomAD 0.0009%). This missense change has been observed in individual(s) with breast cancer (PMID: 26976419). ClinVar contains an entry for this variant (Variation ID: 233529). Invitae Evidence Modeling of protein sequence and biophysical properties (such as structural, functional, and spatial information, amino acid conservation, physicochemical variation, residue mobility, and thermodynamic stability) indicates that this missense variant is not expected to disrupt ATM protein function with a negative predictive value of 95%. In summary, the available evidence is currently insufficient to determine the role of this variant in disease. Therefore, it has been classified as a Variant of Uncertain Significance.

Institute for Biomarker Research, Medical Diagnostic Laboratories, L.L.C.
Classification: Uncertain significance for Hereditary cancer-predisposing syndrome. Last evaluated: 2025-12-08. Review status: criteria provided, single submitter. Criteria: ACMG Guidelines, 2015. Collection method: clinical testing. Allele origin: germline.
Comment: The missense variant NM_000051.4(ATM):c.2552A>G (p.Asp851Gly) has not been reported previously as a pathogenic variant, to our knowledge (Accession: VCV000233529.27). There is a moderate physicochemical difference between aspartic acid and glycine. The gene ATM has a low rate of benign missense variation as indicated by a high missense variants Z-Score of 2.52. The gene ATM contains 184 pathogenic missense variants, indicating that missense variants are a common mechanism of disease in this gene. For these reasons, this variant has been classified as Uncertain Significance.

Quest Diagnostics Nichols Institute San Juan Capistrano
Classification: Uncertain significance. Last evaluated: 2025-07-04. Review status: criteria provided, single submitter. Criteria: Quest Diagnostics criteria. Collection method: clinical testing. Allele origin: unknown.

GeneDx
Classification: Uncertain significance. Last evaluated: 2024-05-30. Review status: criteria provided, single submitter. Criteria: GeneDx Variant Classification Process June 2021. Collection method: clinical testing. Allele origin: germline. Affected: yes.
Comment: Not observed at significant frequency in large population cohorts (gnomAD); In silico analysis indicates that this missense variant does not alter protein structure/function; This variant is associated with the following publications: (PMID: 29596542, 34820595, 26976419, 33471991)

Ambry Genetics
Classification: Likely benign for Hereditary cancer-predisposing syndrome. Last evaluated: 2024-01-10. Review status: criteria provided, single submitter. Criteria: Ambry Variant Classification Scheme 2023. Collection method: clinical testing. Allele origin: germline.

Color Diagnostics, LLC DBA Color Health
Classification: Uncertain significance for Hereditary cancer-predisposing syndrome. Last evaluated: 2023-09-18. Review status: criteria provided, single submitter. Criteria: ACMG Guidelines, 2015. Collection method: clinical testing. Allele origin: germline.
Comment: This missense variant replaces aspartic acid with glycine at codon 851 of the ATM protein. Computational prediction suggests that this variant may not impact protein structure and function (internally defined REVEL score threshold <= 0.5, PMID: 27666373). To our knowledge, functional studies have not been reported for this variant. The variant has been observed in individuals affected with breast cancer (PMID 26976419) and pancreatic cancer (PMID: 34820595). In a large international case-control study, this variant was reported in 2/60466 breast cancer cases and absent in 53461 controls (PMID: 33471991). This variant has been identified in 2/251410 chromosomes in the general population by the Genome Aggregation Database (gnomAD). The available evidence is insufficient to determine the role of this variant in disease conclusively. Therefore, this variant is classified as a Variant of Uncertain Significance.

Sema4
Classification: Uncertain significance for Hereditary cancer-predisposing syndrome. Last evaluated: 2022-03-18. Review status: criteria provided, single submitter. Criteria: Sema4 Curation Guidelines. Collection method: curation. Allele origin: germline.
Comment: The ATM c.2552A>G (p.D851G) variant has been reported in at least 3 individuals with breast cancer, colon cancer, or pancreatic cancer (PMID: 26976419, 29596542, 34820595). Additionally, it was reported in a large case-control study in 2/60466 breast cancer cases and in 0/53461 controls (PMID 33471991). This variant was observed in 1/113724 chromosomes in the Non-Finnish European population according to the Genome Aggregation Database (PMID: 32461654) and has been reported in ClinVar (Variation ID: 233529). In silico tools suggest the impact of the variant on protein function is benign, though these predictions have not been confirmed by functional studies. Based on the current evidence available, this variant is interpreted as a variant of uncertain significance.

Fulgent Genetics
Classification: Uncertain significance for Familial cancer of breast; Ataxia-telangiectasia syndrome. Last evaluated: 2021-12-16. Review status: criteria provided, single submitter. Criteria: ACMG Guidelines, 2015. Collection method: clinical testing. Allele origin: unknown.

Natera, Inc.
Classification: Uncertain significance for Ataxia-telangiectasia. Last evaluated: 2020-07-17. Review status: no assertion criteria provided. Collection method: clinical testing. Allele origin: germline. Not counted in ClinVar's aggregate classification.

Literature cited by the submitters: PubMed 26976419 (cited by 4 submitters); PubMed 33471991 (cited by Color Diagnostics, LLC DBA Color Health and Sema4); PubMed 34820595 (cited by Color Diagnostics, LLC DBA Color Health and Sema4); PubMed 29596542 (cited by Sema4).

NM_000051.4(ATM):c.2552A>G (p.Asp851Gly)

Gene: ATM (ATM serine/threonine kinase; plus strand). Cytogenetic location: 11q22.3.
Variant type: single nucleotide variant.
Coding change: c.2552A>G on transcript NM_000051.4 (MANE Select); coding-DNA position 2552, A replaced by G.
Protein change: p.Asp851Gly; replaces aspartic acid 851 with glycine.
Molecular consequence: missense variant.
Genome position (GRCh38, 1-based): chr11:108,267,256, A>G. VCF-style: chr11-108267256-A-G. GRCh37 (hg19) VCF-style: chr11-108137983-A-G.
Other names: c.2552A>G, p.Asp851Gly (NM_001351834.2); short protein forms D851G.
Identifiers: ClinVar variation 233529 (VCV000233529.28), dbSNP rs748203812, ClinGen allele CA6265058.